The following is an entry in ClinVar:

NM_014991.6(WDFY3):c.2477A>G (p.Asn826Ser)

Genes: WDFY3-AS1 (WDFY3 antisense RNA 1; plus strand), WDFY3 (WD repeat and FYVE domain containing 3; minus strand). Cytogenetic location: 4q21.23.
Variant type: single nucleotide variant.
Coding change: c.2477A>G on transcript NM_014991.6 (MANE Select); coding-DNA position 2477, A replaced by G.
Protein change: p.Asn826Ser; replaces asparagine 826 with serine.
Molecular consequence: missense variant.
Genome position (GRCh38, 1-based): chr4:84,803,420, T>C on the plus strand (A>G on the coding strand, the complement: WDFY3 is on the minus strand). VCF-style: chr4-84803420-T-C. GRCh37 (hg19) VCF-style: chr4-85724573-T-C.
Other names: short protein forms N826S.
Identifiers: ClinVar variation 1702794 (VCV001702794.2), dbSNP rs2149670373, ClinGen allele CA357565819.

ClinVar aggregate classification (germline): Uncertain significance (1 of 4 stars; one submission).

gnomAD v4.1: 2 of 1,613,976 alleles (0.00012%); highest among the groups gnomAD compares: Non-Finnish European, 0.000085%; no homozygotes.

Submission:

GeneDx
Classification: Uncertain significance. Last evaluated: 2022-02-15. Review status: criteria provided, single submitter. Criteria: GeneDx Variant Classification Process June 2021. Collection method: clinical testing. Allele origin: germline. Affected: yes.
Comment: Not observed at significant frequency in large population cohorts (gnomAD); In silico analysis supports that this missense variant does not alter protein structure/function; Has not been previously published as pathogenic or benign to our knowledge